The following is an entry in ClinVar:

NM_003482.4(KMT2D):c.14620G>A (p.Asp4874Asn)

Gene: KMT2D (lysine methyltransferase 2D; minus strand). Cytogenetic location: 12q13.12.
Variant type: single nucleotide variant.
Coding change: c.14620G>A on transcript NM_003482.4 (MANE Select); coding-DNA position 14620, G replaced by A.
Protein change: p.Asp4874Asn; replaces aspartic acid 4874 with asparagine.
Molecular consequence: missense variant.
Genome position (GRCh38, 1-based): chr12:49,027,826, C>T on the plus strand (G>A on the coding strand, the complement: KMT2D is on the minus strand). VCF-style: chr12-49027826-C-T. GRCh37 (hg19) VCF-style: chr12-49421609-C-T.
Other names: short protein forms D4874N.
Identifiers: ClinVar variation 2892655 (VCV002892655.3), dbSNP rs2120376301, ClinGen allele CA384693946.
Genomic context (GRCh38, chr12:49,027,826, plus strand): 5'-TTTCTAACACCCACCCCTTTTTCTCCCCCAGACCTACCTGTTTCAGGAGGCTCAAGATGT[C>T]TAGTTGGCTCTTCAGGGTATAGCCAGGCAACACTGCATCAAACTGCTTCAGCCAATCAGG-3'
Protein context (NP_003473.3, residues 4864-4884): LPGYTLKSQL[Asp4874Asn]ILSLLKQESP

ClinVar aggregate classification (germline): Uncertain significance (1 of 4 stars; one submission).

Conditions:
Kabuki syndrome. Also called: Kabuki make-up syndrome; NIIKAWA-KUROKI SYNDROME. Identifiers: Orphanet 2322, MedGen C0796004, MONDO:0016512.

Submission:

Labcorp Genetics (formerly Invitae), Labcorp
Classification: Uncertain significance for Kabuki syndrome. Last evaluated: 2022-10-28. Review status: criteria provided, single submitter. Criteria: Invitae Variant Classification Sherloc (09022015). Collection method: clinical testing. Allele origin: germline.
Comment: In summary, the available evidence is currently insufficient to determine the role of this variant in disease. Therefore, it has been classified as a Variant of Uncertain Significance. Advanced modeling of protein sequence and biophysical properties (such as structural, functional, and spatial information, amino acid conservation, physicochemical variation, residue mobility, and thermodynamic stability) performed at Invitae indicates that this missense variant is not expected to disrupt KMT2D protein function. This variant has not been reported in the literature in individuals affected with KMT2D-related conditions. This variant is not present in population databases (gnomAD no frequency). This sequence change replaces aspartic acid, which is acidic and polar, with asparagine, which is neutral and polar, at codon 4874 of the KMT2D protein (p.Asp4874Asn).